The following is an entry in ClinVar:

ClinVar aggregate classification (germline): Uncertain significance. Review status: criteria provided, multiple submitters, no conflicts (2 of 4 stars). 5 submissions from 5 submitters: Uncertain significance (5). Last evaluated 2026-09-01.

Conditions:
PLEC-related disorder. Also called: PLEC-related disorders; PLEC-related condition.
Epidermolysis bullosa simplex, Ogna type (EBS5A). Also called: Pidermolysis bullosa simplex 5A, Ogna type; EPIDERMOLYSIS BULLOSA SIMPLEX 5A, OGNA TYPE. Identifiers: Orphanet 79401, MedGen C0432317, MONDO:0007555, OMIM 131950.
Epidermolysis bullosa simplex 5C, with pyloric atresia (EBS5C). Also called: PLEC-Related Epidermolysis Bullosa with Pyloric Atresia; Epidermolysis bullosa simplex with pyloric atresia; PLEC1-Related Epidermolysis Bullosa with Pyloric Atresia. Identifiers: Orphanet 158684, MedGen C2677349, MONDO:0012807, OMIM 612138.
Autosomal recessive limb-girdle muscular dystrophy type 2Q (LGMDR17). Also called: MUSCULAR DYSTROPHY, LIMB-GIRDLE, AUTOSOMAL RECESSIVE 17. Identifiers: Orphanet 254361, MedGen C3150989, MONDO:0013390, OMIM 613723.
Epidermolysis bullosa simplex 5B, with muscular dystrophy (EBS5B). Also called: Epidermolysis bullosa simplex with muscular dystrophy; EPIDERMOLYSIS BULLOSA SIMPLEX AND LIMB-GIRDLE MUSCULAR DYSTROPHY. Identifiers: Orphanet 257, MedGen C2931072, MONDO:0009181, OMIM 226670.
Epidermolysis bullosa simplex with nail dystrophy (EBS5D). Identifiers: MedGen C4225309, MONDO:0014661, OMIM 616487.

Allele frequency attached by ClinVar (database versions not stated): TOPMed 0.00003; gnomAD 0.00005 and 0.00006; gnomAD exomes 0.00007 and 0.00012; ESP Exome Variant Server 0.00008; ExAC 0.00016.
gnomAD v4.1: 181 of 1,592,398 alleles (0.011%); highest among the groups gnomAD compares: Non-Finnish European, 0.014%; no homozygotes.

Submissions (5):

CeGaT Center for Human Genetics Tuebingen
Classification: Uncertain significance. Last evaluated: 2026-09-01. Review status: criteria provided, single submitter. Criteria: CeGaT Center For Human Genetics Tuebingen Variant Classification Criteria Version 2. Collection method: clinical testing. Allele origin: germline. Affected: yes. Observed: 2 variant alleles.
Comment: PLEC: PM2

PreventionGenetics, part of Exact Sciences
Classification: Uncertain significance for PLEC-related condition. Last evaluated: 2026-05-04. Review status: criteria provided, single submitter. Criteria: ACMG Guidelines, 2015. Collection method: clinical testing. Allele origin: germline.
Comment: The PLEC c.3290C>T variant is predicted to result in the amino acid substitution p.Thr1097Met. To our knowledge, this variant has not been reported in the literature. This variant is reported in 0.011% of alleles in individuals of European (Non-Finnish) descent in gnomAD. At this time, the clinical significance of this variant is uncertain due to the absence of conclusive functional and genetic evidence.

Labcorp Genetics (formerly Invitae), Labcorp
Classification: Uncertain significance for Autosomal recessive limb-girdle muscular dystrophy type 2Q; Epidermolysis bullosa simplex, Ogna type; Epidermolysis bullosa simplex with nail dystrophy; Epidermolysis bullosa simplex 5C, with pyloric atresia; Epidermolysis bullosa simplex 5B, with muscular dystrophy. Last evaluated: 2025-11-01. Review status: criteria provided, single submitter. Criteria: Invitae Variant Classification Sherloc (09022015). Collection method: clinical testing. Allele origin: germline.
Comment: This sequence change replaces threonine, which is neutral and polar, with methionine, which is neutral and non-polar, at codon 1097 of the PLEC protein (p.Thr1097Met). This variant is present in population databases (rs369199750, gnomAD 0.01%). This variant has not been reported in the literature in individuals affected with PLEC-related conditions. ClinVar contains an entry for this variant (Variation ID: 598011). Invitae Evidence Modeling of protein sequence and biophysical properties (such as structural, functional, and spatial information, amino acid conservation, physicochemical variation, residue mobility, and thermodynamic stability) indicates that this missense variant is not expected to disrupt PLEC protein function with a negative predictive value of 80%. In summary, the available evidence is currently insufficient to determine the role of this variant in disease. Therefore, it has been classified as a Variant of Uncertain Significance.

Revvity Omics, Revvity
Classification: Uncertain significance. Last evaluated: 2022-12-22. Review status: criteria provided, single submitter. Criteria: ACMG Guidelines, 2015. Collection method: clinical testing. Allele origin: germline.

Eurofins Ntd Llc (ga)
Classification: Uncertain significance. Last evaluated: 2018-07-13. Review status: criteria provided, single submitter. Criteria: EGL ClinVar v180209 classification definitions. Collection method: clinical testing. Allele origin: germline. Observed: 1 variant allele, 1 heterozygote.

NM_201384.3(PLEC):c.3209C>T (p.Thr1070Met)

Gene: PLEC (plectin; minus strand). Cytogenetic location: 8q24.3.
Variant type: single nucleotide variant.
Coding change: c.3209C>T on transcript NM_201384.3 (MANE Select); coding-DNA position 3209, C replaced by T.
Protein change: p.Thr1070Met; replaces threonine 1070 with methionine.
Molecular consequence: missense variant.
Genome position (GRCh38, 1-based): chr8:143,929,154, G>A on the plus strand (C>T on the coding strand, the complement: PLEC is on the minus strand). VCF-style: chr8-143929154-G-A. GRCh37 (hg19) VCF-style: chr8-145003322-G-A.
Other names: c.3290C>T, p.Thr1097Met (NM_000445.5); c.3167C>T, p.Thr1056Met (NM_201378.4); c.3143C>T, p.Thr1048Met (NM_201379.3); c.3620C>T, p.Thr1207Met (NM_201380.4); c.3113C>T, p.Thr1038Met (NM_201381.3); c.3209C>T, p.Thr1070Met (NM_201382.4); c.3221C>T, p.Thr1074Met (NM_201383.3); c.3290C>T (NM_000445.4); short protein forms T1038M, T1048M, T1207M, T1070M, T1074M, T1056M, T1097M.
Identifiers: ClinVar variation 598011 (VCV000598011.30), dbSNP rs369199750, ClinGen allele CA4927170.